The following is an entry in ClinVar:

NM_025179.4(PLXNA2):c.4917G>A (p.Pro1639=)

Gene: PLXNA2 (plexin A2; minus strand). Cytogenetic location: 1q32.2.
Variant type: single nucleotide variant.
Coding change: c.4917G>A on transcript NM_025179.4 (MANE Select); coding-DNA position 4917, G replaced by A.
Protein change: p.Pro1639=; no amino-acid change (proline 1639 retained).
Molecular consequence: synonymous variant.
Genome position (GRCh38, 1-based): chr1:208,033,457, C>T on the plus strand (G>A on the coding strand, the complement: PLXNA2 is on the minus strand). VCF-style: chr1-208033457-C-T. GRCh37 (hg19) VCF-style: chr1-208206802-C-T.
Other names: c.4917G>A (NM_025179.3).
Identifiers: ClinVar variation 1635686 (VCV001635686.10), dbSNP rs371608661, ClinGen allele CA1372709.

ClinVar aggregate classification (germline): Likely benign. Review status: criteria provided, single submitter (1 of 4 stars). 2 submissions from 2 submitters: Likely benign (1). 1 of the submissions does not count toward it. Last evaluated 2023-01-26.

Conditions:
PLXNA2-related disorder. Also called: PLXNA2-related condition.

Allele frequency attached by ClinVar (database versions not stated): ExAC 0.00002; gnomAD exomes 0.00003; ESP Exome Variant Server 0.00008; gnomAD 0.00009 and 0.00010; TOPMed 0.00009.
gnomAD v4.1: 70 of 1,613,222 alleles (0.0043%); highest among the groups gnomAD compares: African/African-American, 0.027%; no homozygotes.

Submissions (2):

Labcorp Genetics (formerly Invitae), Labcorp
Classification: Likely benign. Last evaluated: 2023-01-26. Review status: criteria provided, single submitter. Criteria: Invitae Variant Classification Sherloc (09022015). Collection method: clinical testing. Allele origin: germline.

PreventionGenetics, part of Exact Sciences
Classification: Likely benign for PLXNA2-related condition. Last evaluated: 2021-10-04. Review status: no assertion criteria provided. Collection method: clinical testing. Allele origin: germline. Not counted in ClinVar's aggregate classification.
Comment: This variant is classified as likely benign based on ACMG/AMP sequence variant interpretation guidelines (Richards et al. 2015 PMID: 25741868, with internal and published modifications).